The following is an entry in ClinVar:

NM_004304.5(ALK):c.46A>C (p.Thr16Pro)

Gene: ALK (ALK receptor tyrosine kinase; minus strand). Cytogenetic location: 2p23.1.
Variant type: single nucleotide variant.
Coding change: c.46A>C on transcript NM_004304.5 (MANE Select); coding-DNA position 46, A replaced by C.
Protein change: p.Thr16Pro; replaces threonine 16 with proline.
Molecular consequence: missense variant.
Genome position (GRCh38, 1-based): chr2:29,920,614, T>G on the plus strand (A>C on the coding strand, the complement: ALK is on the minus strand). VCF-style: chr2-29920614-T-G. GRCh37 (hg19) VCF-style: chr2-30143480-T-G.
Other names: short protein forms T16P.
Identifiers: ClinVar variation 640555 (VCV000640555.8), dbSNP rs1572504096, ClinGen allele CA346590793.
Genomic context (GRCh38, chr2:29,920,614, plus strand): 5'-GCCCCGCAGCTGGGGAGCCCGCGCGCTGGCCGGTCCCCATCCCGGAGCCCACAGCTGCCG[T>G]GGAAAGCAGCAGCGGCAGGAGCCACAGGAGCCCGATGGCTCCCATCCCGCCGGAGGAGGC-3'
Protein context (NP_004295.2, residues 6-26): LLWLLPLLLS[Thr16Pro]AAVGSGMGTG

ClinVar aggregate classification (germline): Uncertain significance (1 of 4 stars; one submission).

Conditions:
Neuroblastoma, susceptibility to, 3. Also called: ALK-Related Neuroblastic Tumor Susceptibility. Identifiers: Orphanet 635, MedGen C2751681, MONDO:0013083, OMIM 613014.

Submission:

Labcorp Genetics (formerly Invitae), Labcorp
Classification: Uncertain significance for Neuroblastoma, susceptibility to, 3. Last evaluated: 2020-06-10. Review status: criteria provided, single submitter. Criteria: Invitae Variant Classification Sherloc (09022015). Collection method: clinical testing. Allele origin: germline.
Comment: This sequence change replaces threonine with proline at codon 16 of the ALK protein (p.Thr16Pro). The threonine residue is weakly conserved and there is a small physicochemical difference between threonine and proline. The frequency data for this variant in the population databases is considered unreliable, as metrics indicate insufficient coverage at this position in the ExAC database. This variant has not been reported in the literature in individuals with ALK-related conditions. Algorithms developed to predict the effect of missense changes on protein structure and function output the following: SIFT: "Deleterious"; PolyPhen-2: "Benign"; Align-GVGD: "Class C0". The proline amino acid residue is found in multiple mammalian species, suggesting that this missense change does not adversely affect protein function. These predictions have not been confirmed by published functional studies and their clinical significance is uncertain. In summary, the available evidence is currently insufficient to determine the role of this variant in disease. Therefore, it has been classified as a Variant of Uncertain Significance.